The following is an entry in ClinVar:

NM_007194.4(CHEK2):c.683+3A>C

Gene: CHEK2 (checkpoint kinase 2; minus strand). Cytogenetic location: 22q12.1.
Variant type: single nucleotide variant.
Coding change: c.683+3A>C on transcript NM_007194.4 (MANE Select); 3 bases into the intron after coding-DNA position 683, A replaced by C.
Molecular consequence: intron variant.
Genome position (GRCh38, 1-based): chr22:28,719,392, T>G on the plus strand (A>C on the coding strand, the complement: CHEK2 is on the minus strand). VCF-style: chr22-28719392-T-G. GRCh37 (hg19) VCF-style: chr22-29115380-T-G.
Other names: c.20+3A>C (NM_001437942.1, NM_001257387.3); c.482+5494A>C (NM_001349956.3); c.683+3A>C (NM_145862.3); c.776+3A>C (NM_001438295.1, NM_001438293.1); c.812+3A>C (NM_001438294.1, NM_001005735.3).
Identifiers: ClinVar variation 3266957 (VCV003266957.1).

ClinVar aggregate classification (germline): Uncertain significance (1 of 4 stars; one submission).

Conditions:
Hereditary cancer-predisposing syndrome. Also called: Hereditary Cancer Syndrome; Tumor predisposition; Hereditary neoplastic syndrome; Neoplastic Syndromes, Hereditary. Identifiers: Orphanet 140162, MedGen C0027672, MeSH D009386, MONDO:0015356.

Submission:

Ambry Genetics
Classification: Uncertain significance for Hereditary cancer-predisposing syndrome. Last evaluated: 2024-05-15. Review status: criteria provided, single submitter. Criteria: Ambry Variant Classification Scheme 2023. Collection method: clinical testing. Allele origin: germline.
Comment: The c.683+3A>C intronic variant results from an A to C substitution 3 nucleotides after coding exon 4 in the CHEK2 gene. This nucleotide position is highly conserved in available vertebrate species. In silico splice site analysis predicts that this alteration will weaken the native splice donor site; however direct evidence is insufficient (Ambry internal data). Based on the available evidence, the clinical significance of this variant remains unclear.